The following is an entry in ClinVar:

NM_014141.6(CNTNAP2):c.2955C>A (p.His985Gln)

Genes: CNTNAP2 (contactin associated protein 2; plus strand), LOC126860216 (BRD4-independent group 4 enhancer GRCh37_chr7:147868766-147869965; plus strand). Cytogenetic location: 7q35.
Variant type: single nucleotide variant.
Coding change: c.2955C>A on transcript NM_014141.6 (MANE Select); coding-DNA position 2955, C replaced by A.
Protein change: p.His985Gln; replaces histidine 985 with glutamine.
Molecular consequence: missense variant.
Genome position (GRCh38, 1-based): chr7:148,172,423, C>A. VCF-style: chr7-148172423-C-A. GRCh37 (hg19) VCF-style: chr7-147869515-C-A.
Other names: p.H985Q:CAC>CAA; short protein forms H985Q.
Identifiers: ClinVar variation 205277 (VCV000205277.12), dbSNP rs138257598, ClinGen allele CA314188.
Genomic context (GRCh38, chr7:148,172,423, plus strand): 5'-CCATTGCACCAGCTATGGAACAAACTGTGAAAATGGAGGCAAATGCCTAGAGAGATACCA[C>A]GGTTACTCCTGCGATTGCTCTAATACTGCATATGATGGAACATTTTGCAACAAAGGTAAG-3'
Protein context (NP_054860.1, residues 975-995): ENGGKCLERY[His985Gln]GYSCDCSNTA

ClinVar aggregate classification (germline): Uncertain significance. Review status: criteria provided, multiple submitters, no conflicts (2 of 4 stars). 3 submissions from 3 submitters: Uncertain significance (3). Last evaluated 2024-10-22.

Conditions:
Autism, susceptibility to, 15. Also called: Autism susceptibility 15. Identifiers: MedGen C2677504, MONDO:0012801, OMIM 612100.
Cortical dysplasia-focal epilepsy syndrome (PTHSL1). Also called: Pitt-Hopkins-like syndrome 1. Identifiers: Orphanet 163681, Orphanet 221150, MedGen C2750246, MONDO:0012400, OMIM 610042.

Allele frequency attached by ClinVar (database versions not stated): ExAC 0.00001; TOPMed 0.00003; ESP Exome Variant Server 0.00008.
gnomAD v4.1: 53 of 1,614,054 alleles (0.0033%); highest among the groups gnomAD compares: Non-Finnish European, 0.0043%; no homozygotes.

Submissions (3):

Labcorp Genetics (formerly Invitae), Labcorp
Classification: Uncertain significance for Cortical dysplasia-focal epilepsy syndrome. Last evaluated: 2024-10-22. Review status: criteria provided, single submitter. Criteria: Invitae Variant Classification Sherloc (09022015). Collection method: clinical testing. Allele origin: germline.
Comment: This sequence change replaces histidine, which is basic and polar, with glutamine, which is neutral and polar, at codon 985 of the CNTNAP2 protein (p.His985Gln). This variant is present in population databases (rs138257598, gnomAD 0.0009%). This variant has not been reported in the literature in individuals affected with CNTNAP2-related conditions. ClinVar contains an entry for this variant (Variation ID: 205277). An algorithm developed to predict the effect of missense changes on protein structure and function (PolyPhen-2) suggests that this variant¬†is likely to be tolerated. In summary, the available evidence is currently insufficient to determine the role of this variant in disease. Therefore, it has been classified as a Variant of Uncertain Significance.

Fulgent Genetics
Classification: Uncertain significance for Cortical dysplasia-focal epilepsy syndrome; Autism, susceptibility to, 15. Last evaluated: 2018-10-31. Review status: criteria provided, single submitter. Criteria: ACMG Guidelines, 2015. Collection method: clinical testing. Allele origin: unknown.

GeneDx
Classification: Uncertain significance. Last evaluated: 2013-09-17. Review status: criteria provided, single submitter. Criteria: GeneDx Variant Classification (06012015). Collection method: clinical testing. Allele origin: germline. Affected: yes.
Comment: p.His985Gln (CAC>CAA): c.2955 C>A in exon 18 of the CNTNAP2 gene (NM_014141.4). The His985Gln missense change in the CNTNAP2 gene has not been published as a mutation, nor has it been reported as a benign polymorphism to our knowledge. This variant is a non-conservative amino acid substitution of a positively charged Histidine residue with an uncharged Glutamine residue. However, the variant alters a position that is not conserved across species, and in silico analysis predicts this variant is likely benign. Therefore, based on the currently available information, it is unclear whether His985Gln is a disease-causing mutation or a rare benign variant. The variant is found in EPILEPSY panel(s).